The following is an entry in ClinVar:

NM_197968.4(ZMYM2):c.2946C>A (p.Asp982Glu)

Gene: ZMYM2 (zinc finger MYM-type containing 2; plus strand). Cytogenetic location: 13q12.11.
Variant type: single nucleotide variant.
Coding change: c.2946C>A on transcript NM_197968.4 (MANE Select); coding-DNA position 2946, C replaced by A.
Protein change: p.Asp982Glu; replaces aspartic acid 982 with glutamic acid.
Molecular consequence: missense variant. On other transcripts: non-coding transcript variant (1).
Genome position (GRCh38, 1-based): chr13:20,062,880, C>A. VCF-style: chr13-20062880-C-A. GRCh37 (hg19) VCF-style: chr13-20637020-C-A.
Other names: c.2946C>A, p.Asp982Glu (NM_001190964.4, NM_001190965.4, NM_001353157.2 and 5 more transcripts); c.2751C>A, p.Asp917Glu (NM_001353161.3); c.2685C>A, p.Asp895Glu (NM_001353163.2); c.2946C>A (NM_197968.3); short protein forms D982E, D895E, D917E.
Identifiers: ClinVar variation 736220 (VCV000736220.5), dbSNP rs145243906, ClinGen allele CA6903740.

ClinVar aggregate classification (germline): Likely benign. Review status: criteria provided, single submitter (1 of 4 stars). 2 submissions from 2 submitters: Likely benign (1). 1 of the submissions does not count toward it. Last evaluated 2018-03-29.

Conditions:
ZMYM2-related disorder. Also called: ZMYM2-related condition.

Allele frequency attached by ClinVar (database versions not stated): gnomAD exomes 0.00029; ExAC 0.00069; ESP Exome Variant Server 0.00076; gnomAD 0.00090 and 0.00096; TOPMed 0.00119; 1000 Genomes Project 0.00160; 1000 Genomes Project 30x 0.00172.
gnomAD v4.1: 269 of 1,591,090 alleles (0.017%); highest among the groups gnomAD compares: African/African-American, 0.33%; 2 homozygotes.

Submissions (2):

Labcorp Genetics (formerly Invitae), Labcorp
Classification: Likely benign. Last evaluated: 2018-03-29. Review status: criteria provided, single submitter. Criteria: Invitae Variant Classification Sherloc (09022015). Collection method: clinical testing. Allele origin: germline.

PreventionGenetics, part of Exact Sciences
Classification: Likely benign for ZMYM2-related condition. Last evaluated: 2023-02-26. Review status: no assertion criteria provided. Collection method: clinical testing. Allele origin: germline. Not counted in ClinVar's aggregate classification.
Comment: This variant is classified as likely benign based on ACMG/AMP sequence variant interpretation guidelines (Richards et al. 2015 PMID: 25741868, with internal and published modifications).